The following is an entry in ClinVar:

NM_000238.4(KCNH2):c.2587C>T (p.Arg863Ter)

Gene: KCNH2 (potassium voltage-gated channel subfamily H member 2; minus strand). Cytogenetic location: 7q36.1.
Variant type: single nucleotide variant.
Coding change: c.2587C>T on transcript NM_000238.4 (MANE Select); coding-DNA position 2587, C replaced by T.
Protein change: p.Arg863Ter; replaces arginine 863 with a stop codon.
Molecular consequence: nonsense.
Genome position (GRCh38, 1-based): chr7:150,948,861, G>A on the plus strand (C>T on the coding strand, the complement: KCNH2 is on the minus strand). VCF-style: chr7-150948861-G-A. GRCh37 (hg19) VCF-style: chr7-150645949-G-A.
Other names: c.1567C>T, p.Arg523Ter (NM_172057.3); short protein forms R523*, R863*.
Identifiers: ClinVar variation 220208 (VCV000220208.24), dbSNP rs773724817, ClinGen allele CA033069.
Genomic context (GRCh38, chr7:150,948,861, plus strand): 5'-CAGCCACACAGCTGGAAGCAGGAGGATGGGGTCCAGCTCAGGGCAGCCAACTCACATCTC[G>A]CAGGTTGAAGGTGATCTCCAGGCTGGACCAGAAGTGGTCGGAGAACTCAGGGTACATGTC-3'

ClinVar aggregate classification (germline): Pathogenic. Review status: criteria provided, multiple submitters, no conflicts (2 of 4 stars). 8 submissions from 8 submitters: Pathogenic (8). Last evaluated 2025-11-25.

Conditions:
KCNH2-related disorder. Also called: KCNH2-related condition; KCNH2-related disorders.
Familial long QT syndrome (RWS). Also called: VENTRICULAR FIBRILLATION WITH PROLONGED QT INTERVAL; Romano-Ward syndrome; Congenital long QT syndrome. Identifiers: Orphanet 768, MedGen C1141890, MONDO:0019171.
Long QT syndrome (LQTS). Identifiers: MedGen C0023976, MeSH D008133, MONDO:0002442. Disease mechanism: loss of function. Inheritance: Various modes of inheritance.
Cardiovascular phenotype. Identifiers: MedGen CN230736.

Allele frequency attached by ClinVar (database versions not stated): gnomAD exomes below 0.00001; ExAC 0.00001; gnomAD 0.00003.

Submissions (8):

Labcorp Genetics (formerly Invitae), Labcorp
Classification: Pathogenic for Long QT syndrome. Last evaluated: 2025-11-25. Review status: criteria provided, single submitter. Criteria: Invitae Variant Classification Sherloc (09022015). Collection method: clinical testing. Allele origin: germline.
Comment: This sequence change creates a premature translational stop signal (p.Arg863*) in the KCNH2 gene. It is expected to result in an absent or disrupted protein product. Loss-of-function variants in KCNH2 are known to be pathogenic (PMID: 10973849, 19862833). This variant is present in population databases (rs773724817, gnomAD 0.004%). This premature translational stop signal has been observed in individual(s) with long QT syndrome (PMID: 12566525, 14714110, 15840476, 22515331). In at least one individual the variant was observed to be de novo. ClinVar contains an entry for this variant (Variation ID: 220208). For these reasons, this variant has been classified as Pathogenic.

Ambry Genetics
Classification: Pathogenic for Cardiovascular phenotype. Last evaluated: 2024-04-05. Review status: criteria provided, single submitter. Criteria: Ambry Variant Classification Scheme 2023. Collection method: clinical testing. Allele origin: germline.
Comment: The p.R863* pathogenic mutation (also known as c.2587C>T), located in coding exon 10 of the KCNH2 gene, results from a C to T substitution at nucleotide position 2587. This changes the amino acid from an arginine to a stop codon within coding exon 10. This mutation has been detected in unrelated individuals with long QT syndrome (LQTS), has been shown to segregate with disease in at least one family, and has been reported to occur de novo in an affected individual (Van Langen IM et al. J Med Genet. 2003;40:141-5; Teng S et al. J Mol Med. 2004;82:189-96; Yao Y et al. Heart Rhythm. 2009;6:553-60; Zamorano-Le&oacute;n JJ et al. J Neurogenet. 2012;26:382-6). In an assay testing KCNH2 function, this variant showed a functionally abnormal result (Teng S et al. J Mol Med. 2004;82:189-96; Yao Y et al. Heart Rhythm. 2009;6:553-60). In addition to the clinical data presented in the literature, this alteration is expected to result in loss of function by premature protein truncation or nonsense-mediated mRNA decay. As such, this alteration is interpreted as a disease-causing mutation.

Blueprint Genetics
Classification: Pathogenic for KCNH2-related disorders. Last evaluated: 2022-11-29. Review status: criteria provided, single submitter. Criteria: ACMG Guidelines, 2015. Collection method: clinical testing. Allele origin: germline. Affected: yes. Observed: 2 variant alleles.

Women's Health and Genetics/Laboratory Corporation of America, LabCorp
Classification: Pathogenic for Long QT syndrome. Last evaluated: 2022-11-28. Review status: criteria provided, single submitter. Criteria: LabCorp Variant Classification Summary - May 2015. Collection method: clinical testing. Allele origin: germline.
Comment: Variant summary: KCNH2 c.2587C>T (p.Arg863X) results in a premature termination codon, predicted to cause a truncation of the encoded protein or absence of the protein due to nonsense mediated decay, which are commonly known mechanisms for disease. Truncations downstream of this position have been classified as pathogenic by our laboratory. The variant allele was found at a frequency of 3.9e-06 in 254304 control chromosomes (gnomAD). c.2587C>T has been reported in the literature in multiple individuals affected with Long QT Syndrome (examples: Van Langen_2003, Teng_2004, Kapa_2009). These data indicate that the variant is very likely to be associated with disease. At least one publication reports experimental evidence evaluating an impact on protein function. The most pronounced variant effect results in <10% of normal activity (Teng_2004). Four clinical diagnostic laboratories have submitted clinical-significance assessments for this variant to ClinVar after 2014 and all classified the variant as pathogenic. Based on the evidence outlined above, the variant was classified as pathogenic.

GeneDx
Classification: Pathogenic. Last evaluated: 2021-12-22. Review status: criteria provided, single submitter. Criteria: GeneDx Variant Classification Process June 2021. Collection method: clinical testing. Allele origin: germline. Affected: yes.
Comment: Reported multiple times in association with LQTS (Van Langen et al., 2003; Nagaoka et al., 2008; Kapa et al., 2009); Not observed at significant frequency in large population cohorts (gnomAD); Nonsense variant predicted to result in protein truncation or nonsense mediated decay in a gene for which loss-of-function is a known mechanism of disease; Published functional studies demonstrate a damaging effect as this variant failed to form functional KCNH2 channels (Teng et al., 2004; Akhavan et al., 2005; Yao et al., 2009); Reported in ClinVar as a pathogenic variant (ClinVar Variant ID# 220208; ClinVar); This variant is associated with the following publications: (PMID: 15840476, 21143190, 19716085, 25525159, 24993425, 24366185, 14714110, 18441445, 19841300, 15961404, 19324319, 12566525, 22515331)

Molecular Diagnostic Laboratory for Inherited Cardiovascular Disease, Montreal Heart Institute
Classification: Pathogenic for Cardiovascular phenotype. Last evaluated: 2021-10-20. Review status: criteria provided, single submitter. Criteria: ACMG Guidelines, 2015. Collection method: clinical testing. Allele origin: germline. Affected: yes.

Laboratory for Molecular Medicine, Mass General Brigham Personalized Medicine
Classification: Pathogenic for Familial long QT syndrome. Last evaluated: 2020-08-10. Review status: criteria provided, single submitter. Criteria: ACMG Guidelines, 2015. Collection method: clinical testing. Allele origin: germline. Inheritance: Autosomal dominant inheritance.
Comment: The p.Arg863X variant in KCNH2 has been reported in 3 individuals with Long QT syndrome (LQTS), including a presumed de novo occurrence, and in 1 individual referred for LQTS testing (Teng 2004 PMID: 14714110, Yao 2009 PMID: 19324319, Tester 2005 PMID: 15840476, Van Langen 2003 PMID: 12566525, Zamorano-Leon 2012 PMID: 22515331). This variant segregated with LQTS in 5 relatives from 1 family (Teng 2004 PMID: 14714110). It has also been reported by other clinical laboratories in ClinVar (Variation ID 220208) and it has been identified in 0.004% (1/24956) of African chromosomes by gnomAD. In vitro functional studies support an impact on protein function (Teng 2004 PMID: 14714110, Yao 2009 PMID: 19324319). This nonsense variant leads to a premature termination codon at position 863, which is predicted to lead to a truncated or absent protein. Heterozygous loss of function of the KCNH2 gene is an established disease mechanism in LQTS. In summary, this variant meets criteria to be classified as pathogenic for autosomal dominant LQTS. ACMG/AMP Criteria applied: PVS1, PP1_Moderate, PM2, PS4_Supporting, PM6, PS3_supporting.

Eurofins Ntd Llc (ga)
Classification: Pathogenic. Last evaluated: 2016-01-12. Review status: criteria provided, single submitter. Criteria: EGL Classification Definitions 2015. Collection method: clinical testing. Allele origin: germline. Observed: 1 variant allele, 1 heterozygote.

Literature cited by the submitters: PubMed 10973849 (cited by Labcorp Genetics (formerly Invitae), Labcorp); PubMed 19862833 (cited by Labcorp Genetics (formerly Invitae), Labcorp); PubMed 12566525 (cited by 4 submitters); PubMed 14714110 (cited by 4 submitters); PubMed 15840476 (cited by 4 submitters); PubMed 22515331 (cited by 3 submitters); PubMed 19324319 (cited by Ambry Genetics and Laboratory for Molecular Medicine, Mass General Brigham Personalized Medicine); PubMed 19716085 (cited by Ambry Genetics); PubMed 21185501 (cited by Women's Health and Genetics/Laboratory Corporation of America, LabCorp); PubMed 19841300 (cited by Women's Health and Genetics/Laboratory Corporation of America, LabCorp).